The following is an entry in ClinVar:

ClinVar aggregate classification (germline): Likely pathogenic (1 of 4 stars; one submission).

Conditions:
Ellis-van Creveld syndrome (EVC). Also called: EVC-Related Ellis-van Creveld Syndrome; EVC2-Related Ellis-van Creveld Syndrome; MESOECTODERMAL DYSPLASIA; Chondroectodermal dysplasia. Identifiers: Orphanet 289, MedGen C0013903, MONDO:0009162, OMIM 225500.

Submission:

Myriad Genetics, Inc.
Classification: Likely pathogenic for Ellis-van Creveld syndrome. Last evaluated: 2022-02-02. Review status: criteria provided, single submitter. Criteria: Myriad Women's Health Autosomal Recessive and X-Linked Classification Criteria (2021). Collection method: clinical testing. Allele origin: unknown.
Comment: NM_153717.2(EVC):c.787_788delTCinsA(S263Kfs*10) is expected to be pathogenic in the context of EVC-related Ellis-van Creveld syndrome. This variant is predicted to lead to an abnormal or absent protein product due to the creation of a premature termination codon in EVC, a gene where loss-of-function variants are known to be pathogenic. Please note: this variant was assessed in the context of healthy population screening.

NM_153717.3(EVC):c.787_788delinsA (p.Ser263fs)

Gene: EVC (EvC ciliary complex subunit 1; plus strand). Cytogenetic location: 4p16.2.
Variant type: Indel.
Coding change: c.787_788delinsA on transcript NM_153717.3 (MANE Select); coding-DNA positions 787 to 788, TC replaced by A.
Protein change: p.Ser263fs; shifts the reading frame from serine 263.
Molecular consequence: frameshift variant.
Genome position (GRCh38, 1-based): chr4:5,741,800-5,741,801, TC replaced by A. VCF-style: chr4-5741800-TC-A. GRCh37 (hg19) VCF-style: chr4-5743527-TC-A.
Other names: c.787_788delinsA, p.Ser263fs (NM_001306090.2, NM_001306092.2); short protein forms S263fs.
Identifiers: ClinVar variation 1724246 (VCV001724246.2), dbSNP rs2474947769, ClinGen allele CA2580070808.